The following is an entry in ClinVar:

ClinVar aggregate classification (germline): Uncertain significance. Review status: criteria provided, multiple submitters, no conflicts (2 of 4 stars). 3 submissions from 3 submitters: Uncertain significance (3). Last evaluated 2024-06-13.

Conditions:
Hereditary cancer-predisposing syndrome. Also called: Neoplastic Syndromes, Hereditary; Hereditary neoplastic syndrome; Tumor predisposition; Hereditary Cancer Syndrome. Identifiers: Orphanet 140162, MedGen C0027672, MeSH D009386, MONDO:0015356.
Tuberous sclerosis 2 (TSC2). Identifiers: Orphanet 805, MedGen C1860707, MONDO:0013199, OMIM 613254.
Isolated focal cortical dysplasia type II (FCORD2). Also called: CORTICAL DYSPLASIA OF TAYLOR; Focal cortical dysplasia type II. Identifiers: Orphanet 268994, MedGen C1846385, MONDO:0011818, OMIM 607341, HP:0032051.

Submissions (3):

Labcorp Genetics (formerly Invitae), Labcorp
Classification: Uncertain significance for Tuberous sclerosis 2. Last evaluated: 2024-06-13. Review status: criteria provided, single submitter. Criteria: Invitae Variant Classification Sherloc (09022015). Collection method: clinical testing. Allele origin: germline.
Comment: This sequence change replaces threonine, which is neutral and polar, with alanine, which is neutral and non-polar, at codon 147 of the TSC2 protein (p.Thr147Ala). This variant is not present in population databases (gnomAD no frequency). This missense change has been observed in individual(s) with TSC2-related conditions and/or tuberous sclerosis (PMID: 35231114, 36030538). ClinVar contains an entry for this variant (Variation ID: 664782). Advanced modeling of protein sequence and biophysical properties (such as structural, functional, and spatial information, amino acid conservation, physicochemical variation, residue mobility, and thermodynamic stability) has been performed at Invitae for this missense variant, however the output from this modeling did not meet the statistical confidence thresholds required to predict the impact of this variant on TSC2 protein function. This variant disrupts the p.Thr147 amino acid residue in TSC2. Other variant(s) that disrupt this residue have been determined to be pathogenic (PMID: 27859028; Invitae). This suggests that this residue is clinically significant, and that variants that disrupt this residue are likely to be disease-causing. In summary, the available evidence is currently insufficient to determine the role of this variant in disease. Therefore, it has been classified as a Variant of Uncertain Significance.

Ambry Genetics
Classification: Uncertain significance for Hereditary cancer-predisposing syndrome. Last evaluated: 2023-12-21. Review status: criteria provided, single submitter. Criteria: Ambry Variant Classification Scheme 2023. Collection method: clinical testing. Allele origin: germline.
Comment: The p.T147A variant (also known as c.439A>G), located in coding exon 4 of the TSC2 gene, results from an A to G substitution at nucleotide position 439. The threonine at codon 147 is replaced by alanine, an amino acid with similar properties. This amino acid position is highly conserved in available vertebrate species. In addition, this alteration is predicted to be deleterious by in silico analysis. Since supporting evidence is limited at this time, the clinical significance of this alteration remains unclear.

Baylor Genetics
Classification: Uncertain significance for Isolated focal cortical dysplasia type II. Last evaluated: 2023-06-02. Review status: criteria provided, single submitter. Criteria: ACMG Guidelines, 2015. Collection method: clinical testing. Allele origin: unknown.

Literature cited by the submitters: PubMed 35231114 (cited by Labcorp Genetics (formerly Invitae), Labcorp); PubMed 36030538 (cited by Labcorp Genetics (formerly Invitae), Labcorp); PubMed 27859028 (cited by Labcorp Genetics (formerly Invitae), Labcorp and Ambry Genetics).

NM_000548.5(TSC2):c.439A>G (p.Thr147Ala)

Gene: TSC2 (TSC complex subunit 2; plus strand). Cytogenetic location: 16p13.3.
Variant type: single nucleotide variant.
Coding change: c.439A>G on transcript NM_000548.5 (MANE Select); coding-DNA position 439, A replaced by G.
Protein change: p.Thr147Ala; replaces threonine 147 with alanine.
Molecular consequence: missense variant. On other transcripts: intron variant (1).
Genome position (GRCh38, 1-based): chr16:2,054,398, A>G. VCF-style: chr16-2054398-A-G. GRCh37 (hg19) VCF-style: chr16-2104399-A-G.
Other names: c.439A>G, p.Thr147Ala (NM_001077183.3, NM_001114382.3, NM_001363528.2 and 3 more transcripts); c.328A>G, p.Thr110Ala (NM_001318827.2); c.292A>G, p.Thr98Ala (NM_001318829.2); c.472A>G, p.Thr158Ala (NM_001318832.2); c.-1-1798A>G (NM_001318831.2); short protein forms T147A, T158A, T98A, T110A.
Identifiers: ClinVar variation 664782 (VCV000664782.9), dbSNP rs1596265301, ClinGen allele CA394308344.
Genomic context (GRCh38, chr16:2,054,398, plus strand): 5'-ATCAAGGATTACCCTTCCAACGAAGACCTTCACGAAAGGCTGGAGGTTTTCAAGGCCCTC[A>G]CAGACAATGGGAGACACATCACCTACTTGGAGGAAGAGCTGGGTGGGTGCCACCTTGGGT-3'
Protein context (NP_000539.2, residues 137-157): HERLEVFKAL[Thr147Ala]DNGRHITYLE